The following is an entry in ClinVar:

ClinVar aggregate classification (germline): Uncertain significance (1 of 4 stars; one submission).

Conditions:
Familial cancer of breast. Also called: BREAST CANCER, FAMILIAL; Hereditary breast cancer; hereditary breast carcinoma. Identifiers: Orphanet 227535, MedGen C0346153, MONDO:0016419, OMIM 114480. Disease mechanism: loss of function.

Submission:

Labcorp Genetics (formerly Invitae), Labcorp
Classification: Uncertain significance for Familial cancer of breast. Last evaluated: 2024-12-30. Review status: criteria provided, single submitter. Criteria: Invitae Variant Classification Sherloc (09022015). Collection method: clinical testing. Allele origin: germline.
Comment: This sequence change replaces glycine, which is neutral and non-polar, with arginine, which is basic and polar, at codon 403 of the CHEK2 protein (p.Gly403Arg). This variant is not present in population databases (gnomAD no frequency). This variant has not been reported in the literature in individuals affected with CHEK2-related conditions. ClinVar contains an entry for this variant (Variation ID: 2120914). An algorithm developed to predict the effect of missense changes on protein structure and function (PolyPhen-2) suggests that this variant is likely to be disruptive. In summary, the available evidence is currently insufficient to determine the role of this variant in disease. Therefore, it has been classified as a Variant of Uncertain Significance.

NM_007194.4(CHEK2):c.1207G>C (p.Gly403Arg)

Gene: CHEK2 (checkpoint kinase 2; minus strand). Cytogenetic location: 22q12.1.
Variant type: single nucleotide variant.
Coding change: c.1207G>C on transcript NM_007194.4 (MANE Select); coding-DNA position 1207, G replaced by C.
Protein change: p.Gly403Arg; replaces glycine 403 with arginine.
Molecular consequence: missense variant.
Genome position (GRCh38, 1-based): chr22:28,695,762, C>G on the plus strand (G>C on the coding strand, the complement: CHEK2 is on the minus strand). VCF-style: chr22-28695762-C-G. GRCh37 (hg19) VCF-style: chr22-29091750-C-G.
Other names: c.1336G>C, p.Gly446Arg (NM_001005735.3); c.544G>C, p.Gly182Arg (NM_001257387.3); c.1006G>C, p.Gly336Arg (NM_001349956.3); c.1120G>C, p.Gly374Arg (NM_145862.3); short protein forms G182R, G403R, G374R, G446R, G336R.
Identifiers: ClinVar variation 2120914 (VCV002120914.4), dbSNP rs1601722357, ClinGen allele CA411096748.